The following is an entry in ClinVar:

ClinVar aggregate classification (germline): Conflicting classifications of pathogenicity. Review status: criteria provided, conflicting classifications (1 of 4 stars). 2 submissions from 2 submitters: Likely pathogenic (1); Uncertain significance (1). Last evaluated 2026-01-20.

Conditions:
Spongy degeneration of central nervous system. Also called: ACY2 DEFICIENCY; AMINOACYLASE 2 DEFICIENCY; ASP DEFICIENCY; ASPA DEFICIENCY; ASPARTOACYLASE DEFICIENCY; CANAVAN-VAN BOGAERT-BERTRAND DISEASE. Identifiers: Orphanet 141, MedGen C0206307, MONDO:0010079, OMIM 271900.

Allele frequency attached by ClinVar (database versions not stated): gnomAD exomes below 0.00001.
gnomAD v4.1: 1 of 1,614,034 alleles (0.000062%); highest among the groups gnomAD compares: East Asian, 0.0022%; no homozygotes.

Submissions (2):

Labcorp Genetics (formerly Invitae), Labcorp
Classification: Likely pathogenic for Spongy degeneration of central nervous system. Last evaluated: 2026-01-20. Review status: criteria provided, single submitter. Criteria: Invitae Variant Classification Sherloc (09022015). Collection method: clinical testing. Allele origin: germline.
Comment: This sequence change replaces arginine, which is basic and polar, with cysteine, which is neutral and slightly polar, at codon 71 of the ASPA protein (p.Arg71Cys). This variant is present in population databases (no rsID available, gnomAD 0.006%). This variant has not been reported in the literature in individuals affected with ASPA-related conditions. ClinVar contains an entry for this variant (Variation ID: 1503500). Invitae Evidence Modeling of protein sequence and biophysical properties (such as structural, functional, and spatial information, amino acid conservation, physicochemical variation, residue mobility, and thermodynamic stability) indicates that this missense variant is expected to disrupt ASPA protein function with a positive predictive value of 95%. This variant disrupts the p.Arg71 amino acid residue in ASPA. Other variant(s) that disrupt this residue have been determined to be pathogenic (PMID: 16437572, 18070137, 25107638). This suggests that this residue is clinically significant, and that variants that disrupt this residue are likely to be disease-causing. In summary, the currently available evidence indicates that the variant is pathogenic, but additional data are needed to prove that conclusively. Therefore, this variant has been classified as Likely Pathogenic.

Women's Health and Genetics/Laboratory Corporation of America, LabCorp
Classification: Uncertain significance. Last evaluated: 2025-06-24. Review status: criteria provided, single submitter. Criteria: LabCorp Variant Classification Summary - May 2015. Collection method: clinical testing. Allele origin: germline.
Comment: Variant summary: ASPA c.211C>T (p.Arg71Cys) results in a non-conservative amino acid change in the encoded protein sequence. Algorithms developed to predict the effect of missense changes on protein structure and function all suggest that this variant is likely to be disruptive. The variant allele was found at a frequency of 4e-06 in 251386 control chromosomes. The available data on variant occurrences in the general population are insufficient to allow any conclusion about variant significance. To our knowledge, no occurrence of c.211C>T in individuals affected with Canavan Disease and no experimental evidence demonstrating its impact on protein function have been reported. A different variant affecting the same codon has been classified as likely pathogenic/pathogenic by our lab (c.212G>A, p.Arg71His), supporting the critical relevance of codon 71 to ASPA protein function. ClinVar contains an entry for this variant (Variation ID: 1503500). Based on the evidence outlined above, the variant was classified as uncertain significance.

Literature cited by the submitters: PubMed 16437572 (cited by Labcorp Genetics (formerly Invitae), Labcorp); PubMed 18070137 (cited by Labcorp Genetics (formerly Invitae), Labcorp); PubMed 25107638 (cited by Labcorp Genetics (formerly Invitae), Labcorp).

NM_000049.4(ASPA):c.211C>T (p.Arg71Cys)

Genes: ASPA (aspartoacylase; plus strand), SPATA22 (spermatogenesis associated 22; minus strand). Cytogenetic location: 17p13.2.
Variant type: single nucleotide variant.
Coding change: c.211C>T on transcript NM_000049.4 (MANE Select); coding-DNA position 211, C replaced by T.
Protein change: p.Arg71Cys; replaces arginine 71 with cysteine.
Molecular consequence: missense variant. On other transcripts: intron variant (2).
Genome position (GRCh38, 1-based): chr17:3,476,370, C>T. VCF-style: chr17-3476370-C-T. GRCh37 (hg19) VCF-style: chr17-3379664-C-T.
Other names: c.211C>T, p.Arg71Cys (NM_001128085.1); c.-73-6972G>A (NM_001321336.2, NM_001321337.2); short protein forms R71C.
Identifiers: ClinVar variation 1503500 (VCV001503500.7), dbSNP rs1192320601, ClinGen allele CA397681535.